The following is an entry in ClinVar:

ClinVar aggregate classification (germline): Likely benign. Review status: criteria provided, multiple submitters, no conflicts (2 of 4 stars). 2 submissions from 2 submitters: Likely benign (2). Last evaluated 2018-06-13.

Allele frequency attached by ClinVar (database versions not stated): 1000 Genomes Project 30x 0.02498; gnomAD 0.02665; 1000 Genomes Project 0.02696; TOPMed 0.02698; ESP Exome Variant Server 0.02825; gnomAD exomes 0.04025.
gnomAD v4.1: 46,444 of 1,194,512 alleles (3.9%); highest among the groups gnomAD compares: South Asian, 9.8%; 1,292 homozygotes.

Submissions (28):

GeneDx
Classification: Likely benign. Last evaluated: 2018-06-13. Review status: criteria provided, single submitter. Criteria: GeneDx Variant Classification (06012015). Collection method: clinical testing. Allele origin: germline. Affected: yes.
Comment: This variant is considered likely benign or benign based on one or more of the following criteria: it is a conservative change, it occurs at a poorly conserved position in the protein, it is predicted to be benign by multiple in silico algorithms, and/or has population frequency not consistent with disease.

Breakthrough Genomics
Classification: Likely benign. Review status: criteria provided, single submitter. Criteria: ACMG Guidelines, 2015. Collection method: not provided. Allele origin: germline. Inheritance: Autosomal recessive inheritance. Affected: yes.

Dr. Peter K. Rogan Lab, Western University
No classification provided (evidence only). Condition: Lung cancer. Review status: no classification provided. Collection method: in vitro. Allele origin: not applicable. Functional consequence: retained intron. Not counted in ClinVar's aggregate classification.

Dr. Peter K. Rogan Lab, Western University
No classification provided (evidence only). Condition: Uterine corpus endometrial carcinoma. Review status: no classification provided. Collection method: in vitro. Allele origin: not applicable. Functional consequence: retained intron. Not counted in ClinVar's aggregate classification.

Dr. Peter K. Rogan Lab, Western University
No classification provided (evidence only). Condition: Uterine corpus endometrial carcinoma. Review status: no classification provided. Collection method: in vitro. Allele origin: not applicable. Functional consequence: retained intron. Not counted in ClinVar's aggregate classification.

Dr. Peter K. Rogan Lab, Western University
No classification provided (evidence only). Condition: Cervical cancer. Review status: no classification provided. Collection method: in vitro. Allele origin: not applicable. Functional consequence: retained intron. Not counted in ClinVar's aggregate classification.

Dr. Peter K. Rogan Lab, Western University
No classification provided (evidence only). Condition: Cervical cancer. Review status: no classification provided. Collection method: in vitro. Allele origin: not applicable. Functional consequence: retained intron. Not counted in ClinVar's aggregate classification.

Dr. Peter K. Rogan Lab, Western University
No classification provided (evidence only). Condition: Cervical cancer. Review status: no classification provided. Collection method: in vitro. Allele origin: not applicable. Functional consequence: retained intron. Not counted in ClinVar's aggregate classification.

Dr. Peter K. Rogan Lab, Western University
No classification provided (evidence only). Condition: Sarcoma. Review status: no classification provided. Collection method: in vitro. Allele origin: not applicable. Functional consequence: retained intron. Not counted in ClinVar's aggregate classification.

Dr. Peter K. Rogan Lab, Western University
No classification provided (evidence only). Condition: Sarcoma. Review status: no classification provided. Collection method: in vitro. Allele origin: not applicable. Functional consequence: retained intron. Not counted in ClinVar's aggregate classification.

Dr. Peter K. Rogan Lab, Western University
No classification provided (evidence only). Condition: Sarcoma. Review status: no classification provided. Collection method: in vitro. Allele origin: not applicable. Functional consequence: retained intron. Not counted in ClinVar's aggregate classification.

Dr. Peter K. Rogan Lab, Western University
No classification provided (evidence only). Condition: Malignant lymphoma, large B-cell, diffuse. Review status: no classification provided. Collection method: in vitro. Allele origin: not applicable. Functional consequence: retained intron. Not counted in ClinVar's aggregate classification.

Dr. Peter K. Rogan Lab, Western University
No classification provided (evidence only). Condition: Thymoma. Review status: no classification provided. Collection method: in vitro. Allele origin: not applicable. Functional consequence: retained intron. Not counted in ClinVar's aggregate classification.

Dr. Peter K. Rogan Lab, Western University
No classification provided (evidence only). Condition: Gastric cancer. Review status: no classification provided. Collection method: in vitro. Allele origin: not applicable. Functional consequence: retained intron. Not counted in ClinVar's aggregate classification.

Dr. Peter K. Rogan Lab, Western University
No classification provided (evidence only). Condition: Uterine carcinosarcoma. Review status: no classification provided. Collection method: in vitro. Allele origin: not applicable. Functional consequence: retained intron. Not counted in ClinVar's aggregate classification.

Dr. Peter K. Rogan Lab, Western University
No classification provided (evidence only). Condition: Malignant tumor of esophagus. Review status: no classification provided. Collection method: in vitro. Allele origin: not applicable. Functional consequence: retained intron. Not counted in ClinVar's aggregate classification.

Dr. Peter K. Rogan Lab, Western University
No classification provided (evidence only). Condition: Chronic lymphocytic leukemia/small lymphocytic lymphoma. Review status: no classification provided. Collection method: in vitro. Allele origin: not applicable. Functional consequence: retained intron. Not counted in ClinVar's aggregate classification.

Dr. Peter K. Rogan Lab, Western University
No classification provided (evidence only). Condition: Chronic lymphocytic leukemia/small lymphocytic lymphoma. Review status: no classification provided. Collection method: in vitro. Allele origin: not applicable. Functional consequence: retained intron. Not counted in ClinVar's aggregate classification.

Dr. Peter K. Rogan Lab, Western University
No classification provided (evidence only). Condition: Nonpapillary renal cell carcinoma. Review status: no classification provided. Collection method: in vitro. Allele origin: not applicable. Functional consequence: retained intron. Not counted in ClinVar's aggregate classification.

Dr. Peter K. Rogan Lab, Western University
No classification provided (evidence only). Condition: Nonpapillary renal cell carcinoma. Review status: no classification provided. Collection method: in vitro. Allele origin: not applicable. Functional consequence: retained intron. Not counted in ClinVar's aggregate classification.

Dr. Peter K. Rogan Lab, Western University
No classification provided (evidence only). Condition: Familial pancreatic carcinoma. Review status: no classification provided. Collection method: in vitro. Allele origin: not applicable. Functional consequence: retained intron. Not counted in ClinVar's aggregate classification.

Dr. Peter K. Rogan Lab, Western University
No classification provided (evidence only). Condition: Familial pancreatic carcinoma. Review status: no classification provided. Collection method: in vitro. Allele origin: not applicable. Functional consequence: retained intron. Not counted in ClinVar's aggregate classification.

Dr. Peter K. Rogan Lab, Western University
No classification provided (evidence only). Condition: Lymphoma. Review status: no classification provided. Collection method: in vitro. Allele origin: not applicable. Functional consequence: skipped exon, retained intron. Not counted in ClinVar's aggregate classification.

Dr. Peter K. Rogan Lab, Western University
No classification provided (evidence only). Condition: Lymphoma. Review status: no classification provided. Collection method: in vitro. Allele origin: not applicable. Functional consequence: retained intron. Not counted in ClinVar's aggregate classification.

Dr. Peter K. Rogan Lab, Western University
No classification provided (evidence only). Condition: Lymphoma. Review status: no classification provided. Collection method: in vitro. Allele origin: not applicable. Functional consequence: retained intron. Not counted in ClinVar's aggregate classification.

Dr. Peter K. Rogan Lab, Western University
No classification provided (evidence only). Condition: Lymphoma. Review status: no classification provided. Collection method: in vitro. Allele origin: not applicable. Functional consequence: retained intron. Not counted in ClinVar's aggregate classification.

Dr. Peter K. Rogan Lab, Western University
No classification provided (evidence only). Condition: Lymphoma. Review status: no classification provided. Collection method: in vitro. Allele origin: not applicable. Functional consequence: retained intron. Not counted in ClinVar's aggregate classification.

Dr. Peter K. Rogan Lab, Western University
No classification provided (evidence only). Condition: Ovarian cancer. Review status: no classification provided. Collection method: in vitro. Allele origin: not applicable. Functional consequence: retained intron. Not counted in ClinVar's aggregate classification.

NM_033109.5(PNPT1):c.223-65G>T

Gene: PNPT1 (polyribonucleotide nucleotidyltransferase 1; minus strand). Cytogenetic location: 2p16.1.
Variant type: single nucleotide variant.
Coding change: c.223-65G>T on transcript NM_033109.5 (MANE Select); 65 bases into the intron before coding-DNA position 223, G replaced by T.
Molecular consequence: intron variant.
Genome position (GRCh38, 1-based): chr2:55,686,509, C>A on the plus strand (G>T on the coding strand, the complement: PNPT1 is on the minus strand). VCF-style: chr2-55686509-C-A. GRCh37 (hg19) VCF-style: chr2-55913644-C-A.
Other names: NC_000002.11:g.55913644C>A.
Identifiers: ClinVar variation 676180 (VCV000676180.3), dbSNP rs72807624, ClinGen allele CA47666380.